The following is an entry in ClinVar:

NM_005732.4(RAD50):c.2623C>G (p.Leu875Val)

Gene: RAD50 (RAD50 double strand break repair protein; plus strand). Cytogenetic location: 5q31.1.
Variant type: single nucleotide variant.
Coding change: c.2623C>G on transcript NM_005732.4 (MANE Select); coding-DNA position 2623, C replaced by G.
Protein change: p.Leu875Val; replaces leucine 875 with valine.
Molecular consequence: missense variant.
Genome position (GRCh38, 1-based): chr5:132,604,904, C>G. VCF-style: chr5-132604904-C-G. GRCh37 (hg19) VCF-style: chr5-131940596-C-G.
Other names: short protein forms L875V.
Identifiers: ClinVar variation 2565949 (VCV002565949.2), dbSNP rs2479668481, ClinGen allele CA360956613.

ClinVar aggregate classification (germline): Uncertain significance (1 of 4 stars; one submission).

Conditions:
Hereditary cancer-predisposing syndrome. Also called: Neoplastic Syndromes, Hereditary; Hereditary Cancer Syndrome; Hereditary neoplastic syndrome; Tumor predisposition. Identifiers: Orphanet 140162, MedGen C0027672, MeSH D009386, MONDO:0015356.

Submission:

Ambry Genetics
Classification: Uncertain significance for Hereditary cancer-predisposing syndrome. Last evaluated: 2023-05-28. Review status: criteria provided, single submitter. Criteria: Ambry Variant Classification Scheme 2023. Collection method: clinical testing. Allele origin: germline.
Comment: The p.L875V variant (also known as c.2623C>G), located in coding exon 16 of the RAD50 gene, results from a C to G substitution at nucleotide position 2623. The leucine at codon 875 is replaced by valine, an amino acid with highly similar properties. This amino acid position is conserved. In addition, this alteration is predicted to be tolerated by in silico analysis. Since supporting evidence is limited at this time, the clinical significance of this alteration remains unclear.